The following is an entry in ClinVar:

ClinVar aggregate classification (germline): Likely benign. Review status: criteria provided, single submitter (1 of 4 stars). 2 submissions from 2 submitters: Likely benign (1). 1 of the submissions does not count toward it. Last evaluated 2024-09-01.

Allele frequency attached by ClinVar (database versions not stated): TOPMed 0.00005; ESP Exome Variant Server 0.00009; gnomAD exomes 0.00010 and 0.00022; gnomAD 0.00016 and 0.00017; 1000 Genomes Project 30x 0.00042; 1000 Genomes Project 0.00053; ExAC 0.00058.
gnomAD v4.1: 127 of 1,165,757 alleles (0.011%); highest among the groups gnomAD compares: Non-Finnish European, 0.0077%; no homozygotes.

Submissions (2):

CeGaT Center for Human Genetics Tuebingen
Classification: Likely benign. Last evaluated: 2024-09-01. Review status: criteria provided, single submitter. Criteria: CeGaT Center For Human Genetics Tuebingen Variant Classification Criteria Version 2. Collection method: clinical testing. Allele origin: germline. Affected: yes. Observed: 3 variant alleles.
Comment: CCDC22: BP4, BS2

Vavilov Institute of General Genetics RAS, Laboratory of Evolutional Genomics
Classification: Uncertain significance. Review status: no assertion criteria provided. Collection method: research. Allele origin: maternal. Affected: yes. Not counted in ClinVar's aggregate classification.

Literature cited by the submitters: PubMed 35351988 (cited by Vavilov Institute of General Genetics RAS, Laboratory of Evolutional Genomics).

NM_014008.5(CCDC22):c.427G>A (p.Val143Ile)

Gene: CCDC22 (CCC complex scaffolding subunit CCDC22; plus strand). Cytogenetic location: Xp11.23.
Variant type: single nucleotide variant.
Coding change: c.427G>A on transcript NM_014008.5 (MANE Select); coding-DNA position 427, G replaced by A.
Protein change: p.Val143Ile; replaces valine 143 with isoleucine.
Molecular consequence: missense variant.
Genome position (GRCh38, 1-based): chrX:49,242,951, G>A. VCF-style: chrX-49242951-G-A. GRCh37 (hg19) VCF-style: chrX-49099417-G-A.
Other names: short protein forms V143I.
Identifiers: ClinVar variation 1342847 (VCV001342847.29), dbSNP rs145976849, ClinGen allele CA10411240.